The following is an entry in ClinVar:

NM_139057.4(ADAMTS17):c.1358C>T (p.Pro453Leu)

Gene: ADAMTS17 (ADAM metallopeptidase with thrombospondin type 1 motif 17; minus strand). Cytogenetic location: 15q26.3.
Variant type: single nucleotide variant.
Coding change: c.1358C>T on transcript NM_139057.4 (MANE Select); coding-DNA position 1358, C replaced by T.
Protein change: p.Pro453Leu; replaces proline 453 with leucine.
Molecular consequence: missense variant.
Genome position (GRCh38, 1-based): chr15:100,152,727, G>A on the plus strand (C>T on the coding strand, the complement: ADAMTS17 is on the minus strand). VCF-style: chr15-100152727-G-A. GRCh37 (hg19) VCF-style: chr15-100692932-G-A.
Other names: short protein forms P453L.
Identifiers: ClinVar variation 1497252 (VCV001497252.5), dbSNP rs1166625119, ClinGen allele CA393934284.

ClinVar aggregate classification (germline): Uncertain significance. Review status: criteria provided, multiple submitters, no conflicts (2 of 4 stars). 2 submissions from 2 submitters: Uncertain significance (2). Last evaluated 2025-12-23.

Allele frequency attached by ClinVar (database versions not stated): gnomAD exomes below 0.00001; TOPMed below 0.00001; gnomAD 0.00001.
gnomAD v4.1: 6 of 1,614,118 alleles (0.00037%); highest among the groups gnomAD compares: Admixed American, 0.0083%; no homozygotes.

Submissions (2):

Labcorp Genetics (formerly Invitae), Labcorp
Classification: Uncertain significance. Last evaluated: 2025-12-23. Review status: criteria provided, single submitter. Criteria: Invitae Variant Classification Sherloc (09022015). Collection method: clinical testing. Allele origin: germline.
Comment: This sequence change replaces proline, which is neutral and non-polar, with leucine, which is neutral and non-polar, at codon 453 of the ADAMTS17 protein (p.Pro453Leu). This variant is present in population databases (no rsID available, gnomAD 0.003%). This variant has not been reported in the literature in individuals affected with ADAMTS17-related conditions. ClinVar contains an entry for this variant (Variation ID: 1497252). An algorithm developed to predict the effect of missense changes on protein structure and function (PolyPhen-2) suggests that this variant is likely to be tolerated. In summary, the available evidence is currently insufficient to determine the role of this variant in disease. Therefore, it has been classified as a Variant of Uncertain Significance.

Blueprint Genetics
Classification: Uncertain significance. Last evaluated: 2020-01-07. Review status: criteria provided, single submitter. Criteria: ACMG Guidelines, 2015. Collection method: clinical testing. Allele origin: germline.